The following is an entry in ClinVar:

ClinVar aggregate classification (germline): Conflicting classifications of pathogenicity. Review status: criteria provided, conflicting classifications (1 of 4 stars). 17 submissions from 17 submitters: Uncertain significance (10); Benign (2); Likely benign (4). 1 of the submissions does not count toward it. Last evaluated 2026-02-02.

Conditions:
Hereditary cancer. Identifiers: MedGen C1333600.
Renal cell carcinoma. Identifiers: Orphanet 217071, MedGen C0007134, MeSH D002292, MONDO:0005086, HP:0005584.
Osteofibrous dysplasia (OSFD). Also called: Tibia, bowing of, with pseudarthrosis and pectus excavatum. Identifiers: Orphanet 488265, MedGen C4085248, MONDO:0011806, OMIM 607278.
Hepatocellular carcinoma (HCC). Also called: Primary carcinoma of liver; HEPATOMA; LIVER CELL CARCINOMA. Identifiers: Orphanet 88673, MedGen C2239176, MONDO:0007256, OMIM 114550, HP:0001402.
Autosomal recessive nonsyndromic hearing loss 97. Also called: Deafness, autosomal recessive 97. Identifiers: Orphanet 90636, MedGen C4084709, MONDO:0014739, OMIM 616705.
Arthrogryposis, distal, IIa 11. Also called: Arthrogryposis, distal, type 11. Identifiers: MedGen C5774205, MONDO:0031045, OMIM 620019.
Papillary renal cell carcinoma type 1 (RCCP1). Also called: Renal adenocarcinoma; Renal cell carcinoma 1; Renal cell carcinoma, somatic; RENAL CELL CARCINOMA, PAPILLARY, 1, SOMATIC. Identifiers: Orphanet 47044, MedGen C1336839, OMIM 605074, HP:0011797.
MET-related disorder. Also called: MET-related condition.
Hereditary cancer-predisposing syndrome. Also called: Neoplastic Syndromes, Hereditary; Hereditary Cancer Syndrome; Tumor predisposition; Hereditary neoplastic syndrome. Identifiers: Orphanet 140162, MedGen C0027672, MeSH D009386, MONDO:0015356.
Breast carcinoma. Also called: Carcinoma of breast. Identifiers: MedGen C0678222, MONDO:0004989, HP:0003002.

Allele frequency attached by ClinVar (database versions not stated): ESP Exome Variant Server 0.00016; gnomAD exomes 0.00022 and 0.00028; ExAC 0.00024; gnomAD 0.00029 and 0.00058; 1000 Genomes Project 30x 0.00047; 1000 Genomes Project 0.00060; TOPMed 0.00062.
gnomAD v4.1: 412 of 1,613,970 alleles (0.026%); highest among the groups gnomAD compares: Non-Finnish European, 0.024%; no homozygotes.

Submissions (17):

Labcorp Genetics (formerly Invitae), Labcorp
Classification: Likely benign for Renal cell carcinoma. Last evaluated: 2026-02-02. Review status: criteria provided, single submitter. Criteria: Invitae Variant Classification Sherloc (09022015). Collection method: clinical testing. Allele origin: germline.

Mendelics
Classification: Likely benign for Hereditary cancer. Last evaluated: 2025-02-27. Review status: criteria provided, single submitter. Criteria: ACMG Guidelines, 2015. Collection method: clinical testing. Allele origin: unknown.
Comment: This variant is considered likely benign or benign based on one or more of the following: it is predicted to be benign by multiple in silico algorithms, and/or has population frequency not consistent with disease, and/or has normal protein function, and/or has lack of segregation with disease, and/or has been detected in co-occurrence with known pathogenic variant, and/or has lack of disease association in case-control studies, and/or is located in a region inconsistent with a known cause of pathogenicity.

Blueprint Genetics
Classification: Uncertain significance. Last evaluated: 2024-11-25. Review status: criteria provided, single submitter. Criteria: ACMG Guidelines, 2015. Collection method: clinical testing. Allele origin: germline.

Myriad Genetics, Inc.
Classification: Likely benign for Papillary renal cell carcinoma type 1. Last evaluated: 2024-11-06. Review status: criteria provided, single submitter. Criteria: Myriad Autosomal Dominant, Autosomal Recessive and X-Linked Classification Criteria (2023). Collection method: clinical testing. Allele origin: unknown.
Comment: This variant is considered likely benign. This variant has been observed at a population frequency that is significantly greater than expected given the associated disease prevalence and penetrance.

GeneDx
Classification: Uncertain significance. Last evaluated: 2024-09-23. Review status: criteria provided, single submitter. Criteria: GeneDx Variant Classification Process June 2021. Collection method: clinical testing. Allele origin: germline. Affected: yes.
Comment: In silico analysis indicates that this missense variant does not alter protein structure/function; Observed in individuals with colorectal cancer and mesothelioma (PMID: 21774103, 21970370); This variant is associated with the following publications: (PMID: 21970370, 18709663, 24465403, 21904579, 28166811, 25992381, 21774103, 30949922, 29641532, 28259294)

St. Jude Molecular Pathology, St. Jude Children's Research Hospital
Classification: Uncertain significance for Papillary renal cell carcinoma type 1. Last evaluated: 2024-08-01. Review status: criteria provided, single submitter. Criteria: St. Jude Assertion Criteria 2020. Collection method: clinical testing. Allele origin: germline.
Comment: The MET c.406G>A (p.Val136Ile)? missense change has a maximum founder subpopulation frequency of 0.076% and a maximum non-founder subpopulation frequency of 0.043% in gnomAD v2.1.1. The in silico tool REVEL predicts a benign effect on protein function, but to our knowledge this prediction has not been confirmed by functional studies. To our knowledge, this variant has not been reported in individuals with hereditary papillary renal cell carcinoma. In summary, the evidence currently available is insufficient to determine the clinical significance of this variant. It has therefore been classified as of uncertain significance.??

Center for Genomic Medicine, Rigshospitalet, Copenhagen University Hospital
Classification: Uncertain significance. Last evaluated: 2024-07-31. Review status: criteria provided, single submitter. Criteria: ACMG Guidelines, 2015. Collection method: clinical testing. Allele origin: germline.

Women's Health and Genetics/Laboratory Corporation of America, LabCorp
Classification: Likely benign. Last evaluated: 2024-06-24. Review status: criteria provided, single submitter. Criteria: LabCorp Variant Classification Summary - May 2015. Collection method: clinical testing. Allele origin: germline.
Comment: Variant summary: MET c.406G>A (p.Val136Ile) results in a conservative amino acid change located in the Sema domain (IPR001627) of the encoded protein sequence. Four of five in-silico tools predict a benign effect of the variant on protein function. The variant allele was found at a frequency of 0.00028 in 249054 control chromosomes, predominantly at a frequency of 0.00039 within the Non-Finnish European subpopulation in the gnomAD database. The observed variant frequency within Non-Finnish European control individuals in the gnomAD database is approximately 260 fold of the estimated maximal expected allele frequency for a pathogenic variant in MET causing Papillary Renal Cell Carcinoma phenotype (1.5e-06). To our knowledge, no occurrence of c.406G>A in individuals affected with Papillary Renal Cell Carcinoma and no experimental evidence demonstrating its impact on protein function have been reported. ClinVar contains an entry for this variant (Variation ID: 142059). Based on the evidence outlined above, the variant was classified as likely benign.

Genetic Services Laboratory, University of Chicago
Classification: Uncertain significance. Last evaluated: 2023-03-30. Review status: criteria provided, single submitter. Criteria: ACMG Guidelines, 2015. Collection method: clinical testing. Allele origin: germline. Affected: no.
Comment: DNA sequence analysis of the MET gene demonstrated a sequence change, c.406G>A, in exon 2 that results in an amino acid change, p.Val136Ile. This sequence change has been previously described in individuals with colorectal cancer and mesothelioma (PMID 21970370, 21774103). This sequence change has been described in the gnomAD database with a frequency of 0.04% in the European subpopulation (dbSNP rs199701987). The p.Val136Ile change affects a moderately conserved amino acid residue located in a domain of the MET protein that is known to be functional. The p.Val136Ile substitution appears to be benign using several in-silico pathogenicity prediction tools (SIFT, PolyPhen2, Align GVGD, REVEL). Due to insufficient evidence and the lack of functional studies, the clinical significance of the p.Val136Ile change remains unknown at this time.

Ambry Genetics
Classification: Benign for Hereditary cancer-predisposing syndrome. Last evaluated: 2022-09-30. Review status: criteria provided, single submitter. Criteria: Ambry Variant Classification Scheme 2023. Collection method: clinical testing. Allele origin: germline.

Sema4
Classification: Uncertain significance for Hereditary cancer-predisposing syndrome. Last evaluated: 2021-11-15. Review status: criteria provided, single submitter. Criteria: Sema4 Curation Guidelines. Collection method: curation. Allele origin: germline.
Comment: The MET c.406G>A (p.V136I) variant has been reported in at least 3 individuals with colorectal cancer, mesothelioma,and penile cancer (PMID 21970370, 21774103, doi: 10.14744/ejmo.2021.51470). This variant was observed in 19/25008 chromosomes in the Finnish population according to the Genome Aggregation Database (PMID: 32461654). This variant has been reported in ClinVar (Variation ID 142059). In silico tools suggest the impact of the variant on protein function is benign, though these predictions have not been confirmed by functional studies. The overall evidence is insufficient to meet ACMG/AMP criteria for classifying it as benign or pathogenic. In summary, the clinical significance of this variant is currently uncertain.

Institute for Clinical Genetics, University Hospital TU Dresden, University Hospital TU Dresden
Classification: Uncertain significance. Last evaluated: 2021-11-03. Review status: criteria provided, single submitter. Criteria: ACMG Guidelines, 2015. Collection method: clinical testing. Allele origin: germline.

Department of Pathology and Laboratory Medicine, Sinai Health System
Classification: Uncertain significance for Hepatocellular carcinoma; Papillary renal cell carcinoma type 1; Osteofibrous dysplasia; Autosomal recessive nonsyndromic hearing loss 97; Arthrogryposis, distal, IIa 11. Last evaluated: 2021-10-16. Review status: criteria provided, single submitter. Criteria: ACMG Guidelines, 2015. Collection method: research. Allele origin: germline.

Institute of Human Genetics, University of Leipzig Medical Center
Classification: Uncertain significance for Breast carcinoma. Last evaluated: 2019-01-01. Review status: criteria provided, single submitter. Criteria: ACMG Guidelines, 2015. Collection method: clinical testing. Allele origin: unknown. Affected: yes.

Illumina Laboratory Services, Illumina
Classification: Benign for Papillary renal cell carcinoma type 1. Last evaluated: 2018-01-12. Review status: criteria provided, single submitter. Criteria: ICSL Variant Classification Criteria 13 December 2019. Collection method: clinical testing. Allele origin: germline.
Comment: This variant was observed in the ICSL laboratory as part of a predisposition screen in an ostensibly healthy population. It had not been previously curated by ICSL or reported in the Human Gene Mutation Database (HGMD: prior to June 1st, 2018), and was therefore a candidate for classification through an automated scoring system. Utilizing variant allele frequency, disease prevalence and penetrance estimates, and inheritance mode, an automated score was calculated to assess if this variant is too frequent to cause the disease. Based on the score and internal cut-off values, a variant classified as benign is not then subjected to further curation. The score for this variant resulted in a classification of benign for this disease.

Fulgent Genetics
Classification: Uncertain significance for Hepatocellular carcinoma; Papillary renal cell carcinoma type 1; Osteofibrous dysplasia; Autosomal recessive nonsyndromic hearing loss 97. Last evaluated: 2017-05-23. Review status: criteria provided, single submitter. Criteria: ACMG Guidelines, 2015. Collection method: clinical testing. Allele origin: unknown.

PreventionGenetics, part of Exact Sciences
Classification: Likely benign for MET-related condition. Last evaluated: 2024-01-04. Review status: no assertion criteria provided. Collection method: clinical testing. Allele origin: germline. Not counted in ClinVar's aggregate classification.
Comment: This variant is classified as likely benign based on ACMG/AMP sequence variant interpretation guidelines (Richards et al. 2015 PMID: 25741868, with internal and published modifications).

Literature cited by the submitters: PubMed 28259294 (cited by Ambry Genetics); PubMed 29641532 (cited by Ambry Genetics); PubMed 21970370 (cited by Sema4); PubMed 21774103 (cited by Sema4).

NM_000245.4(MET):c.406G>A (p.Val136Ile)

Gene: MET (MET proto-oncogene, receptor tyrosine kinase; plus strand). Cytogenetic location: 7q31.2.
Variant type: single nucleotide variant.
Coding change: c.406G>A on transcript NM_000245.4 (MANE Select); coding-DNA position 406, G replaced by A.
Protein change: p.Val136Ile; replaces valine 136 with isoleucine.
Molecular consequence: missense variant. On other transcripts: intron variant (1).
Genome position (GRCh38, 1-based): chr7:116,699,490, G>A. VCF-style: chr7-116699490-G-A. GRCh37 (hg19) VCF-style: chr7-116339544-G-A.
Other names: c.406G>A, p.Val136Ile (NM_001127500.3, NM_001324401.3); c.-91+26913G>A (NM_001324402.2); c.406G>A (NM_001127500.2); short protein forms V136I.
Identifiers: ClinVar variation 142059 (VCV000142059.45), dbSNP rs199701987, ClinGen allele CA167281.